The following is an entry in ClinVar:

NM_052854.4(CREB3L1):c.1452G>C (p.Glu484Asp)

Gene: CREB3L1 (cAMP responsive element binding protein 3 like 1; plus strand). Cytogenetic location: 11p11.2.
Variant type: single nucleotide variant.
Coding change: c.1452G>C on transcript NM_052854.4 (MANE Select); coding-DNA position 1452, G replaced by C.
Protein change: p.Glu484Asp; replaces glutamic acid 484 with aspartic acid.
Molecular consequence: missense variant.
Genome position (GRCh38, 1-based): chr11:46,320,457, G>C. VCF-style: chr11-46320457-G-C. GRCh37 (hg19) VCF-style: chr11-46342008-G-C.
Other names: short protein forms E484D.
Identifiers: ClinVar variation 2071160 (VCV002071160.5), dbSNP rs188423609, ClinGen allele CA5961884.

ClinVar aggregate classification (germline): Uncertain significance. Review status: criteria provided, multiple submitters, no conflicts (2 of 4 stars). 2 submissions from 2 submitters: Uncertain significance (2). Last evaluated 2025-01-27.

Conditions:
Inborn genetic diseases. Identifiers: MedGen C0950123, MeSH D030342.

Allele frequency attached by ClinVar (database versions not stated): ExAC 0.00007; ESP Exome Variant Server 0.00008; gnomAD 0.00011; 1000 Genomes Project 30x 0.00016; 1000 Genomes Project 0.00020; TOPMed 0.00020.
gnomAD v4.1: 37 of 1,606,964 alleles (0.0023%); highest among the groups gnomAD compares: African/African-American, 0.031%; no homozygotes.

Submissions (2):

Labcorp Genetics (formerly Invitae), Labcorp
Classification: Uncertain significance. Last evaluated: 2025-01-27. Review status: criteria provided, single submitter. Criteria: Invitae Variant Classification Sherloc (09022015). Collection method: clinical testing. Allele origin: germline.
Comment: This sequence change replaces glutamic acid, which is acidic and polar, with aspartic acid, which is acidic and polar, at codon 484 of the CREB3L1 protein (p.Glu484Asp). This variant is present in population databases (rs188423609, gnomAD 0.04%). This variant has not been reported in the literature in individuals affected with CREB3L1-related conditions. ClinVar contains an entry for this variant (Variation ID: 2071160). An algorithm developed to predict the effect of missense changes on protein structure and function (PolyPhen-2) suggests that this variant¬†is likely to be tolerated. In summary, the available evidence is currently insufficient to determine the role of this variant in disease. Therefore, it has been classified as a Variant of Uncertain Significance.

Ambry Genetics
Classification: Uncertain significance for Inborn genetic diseases. Last evaluated: 2025-01-09. Review status: criteria provided, single submitter. Criteria: Ambry Variant Classification Scheme 2023. Collection method: clinical testing. Allele origin: germline.